The following is an entry in ClinVar:

ClinVar aggregate classification (germline): Likely benign. Review status: criteria provided, multiple submitters, no conflicts (2 of 4 stars). 3 submissions from 3 submitters: Likely benign (3). Last evaluated 2024-11-01.

Allele frequency attached by ClinVar (database versions not stated): ExAC 0.00011; gnomAD exomes 0.00016 and 0.00029; gnomAD 0.00017 and 0.00018; TOPMed 0.00022.
gnomAD v4.1: 451 of 1,613,870 alleles (0.028%); highest among the groups gnomAD compares: Non-Finnish European, 0.036%; no homozygotes.

Submissions (3):

CeGaT Center for Human Genetics Tuebingen
Classification: Likely benign. Last evaluated: 2024-11-01. Review status: criteria provided, single submitter. Criteria: CeGaT Center For Human Genetics Tuebingen Variant Classification Criteria Version 2. Collection method: clinical testing. Allele origin: germline. Affected: yes. Observed: 1 variant allele.
Comment: MEF2C: BS2

Blueprint Genetics
Classification: Likely benign. Last evaluated: 2024-10-15. Review status: criteria provided, single submitter. Criteria: ACMG Guidelines, 2015. Collection method: clinical testing. Allele origin: germline.

GeneDx
Classification: Likely benign. Last evaluated: 2020-10-22. Review status: criteria provided, single submitter. Criteria: GeneDx Variant Classification Process June 2021. Collection method: clinical testing. Allele origin: germline. Affected: yes.

NM_002397.5(MEF2C):c.402+46T>C

Gene: MEF2C (myocyte enhancer factor 2C; minus strand). Cytogenetic location: 5q14.3.
Variant type: single nucleotide variant.
Coding change: c.402+46T>C on transcript NM_002397.5 (MANE Select); 46 bases into the intron after coding-DNA position 402, T replaced by C.
Molecular consequence: intron variant.
Genome position (GRCh38, 1-based): chr5:88,761,139, A>G on the plus strand (T>C on the coding strand, the complement: MEF2C is on the minus strand). VCF-style: chr5-88761139-A-G. GRCh37 (hg19) VCF-style: chr5-88056956-A-G.
Other names: c.402+46T>C (NM_001364329.2, NM_001364330.2, NM_001364333.2 and 18 more transcripts); c.259-9096T>C (NM_001364344.2, NM_001364354.2, NM_001364332.2 and 3 more transcripts); c.24+46T>C (NM_001364353.2, NM_001364356.2); c.259-14T>C (NM_001131005.2, NM_001364352.2, NM_001364343.2); c.319-14T>C (NM_001193347.1, NM_001364338.2); c.-24-9096T>C (NM_001364357.2).
Identifiers: ClinVar variation 1244549 (VCV001244549.17), dbSNP rs763680701, ClinGen allele CA3337331.